The following is an entry in ClinVar:

NM_000160.5(GCGR):c.118G>A (p.Gly40Ser)

Gene: GCGR (glucagon receptor; plus strand). Cytogenetic location: 17q25.3.
Variant type: single nucleotide variant.
Coding change: c.118G>A on transcript NM_000160.5 (MANE Select); coding-DNA position 118, G replaced by A.
Protein change: p.Gly40Ser; replaces glycine 40 with serine.
Molecular consequence: missense variant.
Genome position (GRCh38, 1-based): chr17:81,809,839, G>A. VCF-style: chr17-81809839-G-A. GRCh37 (hg19) VCF-style: chr17-79767715-G-A.
Other names: short protein forms G40S.
Identifiers: ClinVar variation 16159 (VCV000016159.39), dbSNP rs1801483, ClinGen allele CA126242.

ClinVar aggregate classification (germline): Benign/Likely benign. Review status: criteria provided, multiple submitters, no conflicts (2 of 4 stars). 4 submissions from 4 submitters: Benign (2); Likely benign (1). 1 of the submissions does not count toward it. Last evaluated 2026-06-01.

Conditions:
Type 2 diabetes mellitus. Also called: Type II diabetes mellitus. Identifiers: MedGen C0011860, MeSH D003924, MONDO:0005148, OMIM 125853, HP:0005978.

Allele frequency attached by ClinVar (database versions not stated): 1000 Genomes Project 0.00419; 1000 Genomes Project 30x 0.00422; gnomAD 0.00568 and 0.00636; gnomAD exomes 0.00740 and 0.00821; TOPMed 0.00759; ExAC 0.00836.

Submissions (4):

CeGaT Center for Human Genetics Tuebingen
Classification: Likely benign. Last evaluated: 2026-06-01. Review status: criteria provided, single submitter. Criteria: CeGaT Center For Human Genetics Tuebingen Variant Classification Criteria Version 2. Collection method: clinical testing. Allele origin: germline. Affected: yes. Observed: 2 variant alleles.
Comment: GCGR: BP4, BS2

Labcorp Genetics (formerly Invitae), Labcorp
Classification: Benign. Last evaluated: 2026-01-18. Review status: criteria provided, single submitter. Criteria: Invitae Variant Classification Sherloc (09022015). Collection method: clinical testing. Allele origin: germline.

Breakthrough Genomics
Classification: Benign. Review status: criteria provided, single submitter. Criteria: ACMG Guidelines, 2015. Collection method: not provided. Allele origin: germline. Inheritance: Autosomal recessive inheritance. Affected: yes.

OMIM
Classification: Benign for RECLASSIFIED - GCGR POLYMORPHISM. Last evaluated: 1996-02-01. Review status: no assertion criteria provided. Collection method: literature only. Allele origin: germline. Not counted in ClinVar's aggregate classification.

Literature cited by the submitters: Hamosh, A. Personal Communication. 2020. Baltimore, Md. (cited by OMIM); PubMed 7773293 (cited by OMIM); PubMed 8563746 (cited by OMIM).